The following is an entry in ClinVar:

ClinVar aggregate classification (germline): Likely benign. Review status: criteria provided, multiple submitters, no conflicts (2 of 4 stars). 3 submissions from 3 submitters: Likely benign (3). Last evaluated 2026-02-01.

Conditions:
Cardiovascular phenotype. Identifiers: MedGen CN230736.
Dilated cardiomyopathy 1G (CMD1G). Identifiers: Orphanet 154, MedGen C1858763, MONDO:0011400, OMIM 604145.
Autosomal recessive limb-girdle muscular dystrophy type 2J (LGMDR10). Also called: MUSCULAR DYSTROPHY, LIMB-GIRDLE, AUTOSOMAL RECESSIVE 10; Limb-girdle muscular dystrophy, type 2J. Identifiers: Orphanet 140922, MedGen C1837342, MONDO:0012127, OMIM 608807.

Allele frequency attached by ClinVar (database versions not stated): gnomAD 0.00001; TOPMed 0.00004.
gnomAD v4.1: 3 of 1,612,788 alleles (0.00019%); highest among the groups gnomAD compares: African/African-American, 0.0027%; no homozygotes.

Submissions (3):

CeGaT Center for Human Genetics Tuebingen
Classification: Likely benign. Last evaluated: 2026-02-01. Review status: criteria provided, single submitter. Criteria: CeGaT Center For Human Genetics Tuebingen Variant Classification Criteria Version 2. Collection method: clinical testing. Allele origin: germline. Affected: yes. Observed: 1 variant allele.
Comment: TTN: BP4, BP7

Labcorp Genetics (formerly Invitae), Labcorp
Classification: Likely benign for Dilated cardiomyopathy 1G; Autosomal recessive limb-girdle muscular dystrophy type 2J. Last evaluated: 2024-01-17. Review status: criteria provided, single submitter. Criteria: Invitae Variant Classification Sherloc (09022015). Collection method: clinical testing. Allele origin: germline.

Ambry Genetics
Classification: Likely benign for Cardiovascular phenotype. Last evaluated: 2020-11-24. Review status: criteria provided, single submitter. Criteria: Ambry Variant Classification Scheme 2023. Collection method: clinical testing. Allele origin: germline.

NM_001267550.2(TTN):c.73704T>A (p.Thr24568=)

Genes: TTN (titin; minus strand), TTN-AS1 (TTN antisense RNA 1; plus strand). Cytogenetic location: 2q31.2.
Variant type: single nucleotide variant.
Coding change: c.73704T>A on transcript NM_001267550.2 (MANE Select); coding-DNA position 73704, T replaced by A.
Protein change: p.Thr24568=; no amino-acid change (threonine 24568 retained).
Molecular consequence: synonymous variant.
Genome position (GRCh38, 1-based): chr2:178,572,428, A>T on the plus strand (T>A on the coding strand, the complement: TTN is on the minus strand). VCF-style: chr2-178572428-A-T. GRCh37 (hg19) VCF-style: chr2-179437155-A-T.
Other names: c.68781T>A, p.Thr22927= (NM_001256850.1); c.46509T>A, p.Thr15503= (NM_003319.4); c.66000T>A, p.Thr22000= (NM_133378.4); c.46884T>A, p.Thr15628= (NM_133432.3); c.47085T>A, p.Thr15695= (NM_133437.4).
Identifiers: ClinVar variation 1543380 (VCV001543380.14), dbSNP rs1204498573, ClinGen allele CA430255718.